The following is an entry in ClinVar:

NM_002734.5(PRKAR1A):c.531_534del (p.Asp178fs)

Gene: PRKAR1A (protein kinase cAMP-dependent type I regulatory subunit alpha; plus strand). Cytogenetic location: 17q24.2.
Variant type: Microsatellite.
Coding change: c.531_534del on transcript NM_002734.5 (MANE Select); coding-DNA positions 531 to 534, 4 bases deleted (TGAT; older notation c.531_534delTGAT).
Protein change: p.Asp178fs; shifts the reading frame from aspartic acid 178.
Molecular consequence: frameshift variant.
Genome position (GRCh38, 1-based): chr17:68,524,940-68,524,943, TGAT deleted; deleting any 4 consecutive bases within chr17:68,524,936-68,524,943 gives the same sequence; the c. name uses the placement nearest the transcript's 3' end. VCF-style (leftmost placement, unchanged base first): chr17-68524935-GTGAT-G. GRCh37 (hg19) VCF-style: chr17-66521076-GTGAT-G.
Other names: c.531_534del, p.Asp178fs (NM_001369389.1, NM_001369390.1, NM_212471.3 and 4 more transcripts); short protein forms D178fs.
Identifiers: ClinVar variation 951600 (VCV000951600.7), dbSNP rs2085739247, ClinGen allele CA2272256807.

ClinVar aggregate classification (germline): Pathogenic (1 of 4 stars; one submission).

Conditions:
Carney complex, type 1 (CNC1). Also called: CARNEY MYXOMA-ENDOCRINE COMPLEX; CARNEY COMPLEX, TYPE I. Identifiers: Orphanet 1359, MedGen C2607929, MONDO:0008057, OMIM 160980.

Submission:

Labcorp Genetics (formerly Invitae), Labcorp
Classification: Pathogenic for Carney complex, type 1. Last evaluated: 2019-07-17. Review status: criteria provided, single submitter. Criteria: Invitae Variant Classification Sherloc (09022015). Collection method: clinical testing. Allele origin: germline.
Comment: This sequence change creates a premature translational stop signal (p.Asp178Lysfs*27) in the PRKAR1A gene. It is expected to result in an absent or disrupted protein product. For these reasons, this variant has been classified as Pathogenic. Loss-of-function variants in PRKAR1A are known to be pathogenic (PMID: 11115848, 19293268). This variant has not been reported in the literature in individuals with PRKAR1A-related conditions. This variant is not present in population databases (ExAC no frequency).

Literature cited by the submitters: PubMed 11115848; PubMed 19293268.